The following is an entry in ClinVar:

ClinVar aggregate classification (germline): Uncertain significance. Review status: criteria provided, multiple submitters, no conflicts (2 of 4 stars). 2 submissions from 2 submitters: Uncertain significance (2). Last evaluated 2025-04-12.

Conditions:
Inborn genetic diseases. Identifiers: MedGen C0950123, MeSH D030342.
Short-rib thoracic dysplasia 6 with or without polydactyly (SRTD6). Also called: Majewski Syndrome; SHORT-RIB THORACIC DYSPLASIA 6 WITH POLYDACTYLY; SHORT-RIB THORACIC DYSPLASIA 6 WITHOUT POLYDACTYLY; POLYDACTYLY WITH NEONATAL CHONDRODYSTROPHY, TYPE II; SHORT RIB-POLYDACTYLY SYNDROME, TYPE IIA. Identifiers: MedGen C0024507, MONDO:0009894, OMIM 263520.

gnomAD v4.1: 51 of 1,613,644 alleles (0.0032%); highest among the groups gnomAD compares: Non-Finnish European, 0.0042%; no homozygotes.

Submissions (2):

Ambry Genetics
Classification: Uncertain significance for Inborn genetic diseases. Last evaluated: 2025-04-12. Review status: criteria provided, single submitter. Criteria: Ambry Variant Classification Scheme 2023. Collection method: clinical testing. Allele origin: germline.

Labcorp Genetics (formerly Invitae), Labcorp
Classification: Uncertain significance for Short-rib thoracic dysplasia 6 with or without polydactyly. Last evaluated: 2025-03-11. Review status: criteria provided, single submitter. Criteria: Invitae Variant Classification Sherloc (09022015). Collection method: clinical testing. Allele origin: germline.
Comment: This sequence change replaces alanine, which is neutral and non-polar, with glycine, which is neutral and non-polar, at codon 517 of the NEK1 protein (p.Ala517Gly). This variant is present in population databases (rs778294994, gnomAD 0.002%). This variant has not been reported in the literature in individuals affected with NEK1-related conditions. Invitae Evidence Modeling of protein sequence and biophysical properties (such as structural, functional, and spatial information, amino acid conservation, physicochemical variation, residue mobility, and thermodynamic stability) indicates that this missense variant is not expected to disrupt NEK1 protein function with a negative predictive value of 80%. In summary, the available evidence is currently insufficient to determine the role of this variant in disease. Therefore, it has been classified as a Variant of Uncertain Significance.

NM_001199397.3(NEK1):c.1550C>G (p.Ala517Gly)

Gene: NEK1 (NIMA related kinase 1; minus strand). Cytogenetic location: 4q33.
Variant type: single nucleotide variant.
Coding change: c.1550C>G on transcript NM_001199397.3 (MANE Select); coding-DNA position 1550, C replaced by G.
Protein change: p.Ala517Gly; replaces alanine 517 with glycine.
Molecular consequence: missense variant. On other transcripts: non-coding transcript variant (1), intron variant (3).
Genome position (GRCh38, 1-based): chr4:169,555,732, G>C on the plus strand (C>G on the coding strand, the complement: NEK1 is on the minus strand). VCF-style: chr4-169555732-G-C. GRCh37 (hg19) VCF-style: chr4-170476883-G-C.
Other names: c.1550C>G, p.Ala517Gly (NM_001374418.1, NM_001374419.1, NM_012224.4); c.1499C>G, p.Ala500Gly (NM_001374420.1); c.1424C>G, p.Ala475Gly (NM_001374421.1); c.1355+200C>G (NM_001199399.3); c.1430+200C>G (NM_001199398.3, NM_001199400.3); short protein forms A475G, A517G, A500G.
Identifiers: ClinVar variation 3918715 (VCV003918715.2).